The following is an entry in ClinVar:

NM_001408.3(CELSR2):c.8571C>G (p.Pro2857=)

Gene: CELSR2 (cadherin EGF LAG seven-pass G-type receptor 2; plus strand). Cytogenetic location: 1p13.3.
Variant type: single nucleotide variant.
Coding change: c.8571C>G on transcript NM_001408.3 (MANE Select); coding-DNA position 8571, C replaced by G.
Protein change: p.Pro2857=; no amino-acid change (proline 2857 retained).
Molecular consequence: synonymous variant.
Genome position (GRCh38, 1-based): chr1:109,273,497, C>G. VCF-style: chr1-109273497-C-G. GRCh37 (hg19) VCF-style: chr1-109816119-C-G.
Identifiers: ClinVar variation 3043536 (VCV003043536.2), dbSNP rs773120150, ClinGen allele CA988626.

ClinVar aggregate classification (germline): Likely benign (0 of 4 stars; one submission).

Conditions:
CELSR2-related disorder. Also called: CELSR2-related condition.

Allele frequency attached by ClinVar (database versions not stated): ExAC 0.00003; gnomAD 0.00004.
gnomAD v4.1: 17 of 1,611,088 alleles (0.0011%); highest among the groups gnomAD compares: African/African-American, 0.016%; no homozygotes.

Submission:

PreventionGenetics, part of Exact Sciences
Classification: Likely benign for CELSR2-related condition. Last evaluated: 2019-06-28. Review status: no assertion criteria provided. Collection method: clinical testing. Allele origin: germline.
Comment: This variant is classified as likely benign based on ACMG/AMP sequence variant interpretation guidelines (Richards et al. 2015 PMID: 25741868, with internal and published modifications).